The following is an entry in ClinVar:

ClinVar aggregate classification (germline): Uncertain significance (1 of 4 stars; one submission).

gnomAD v4.1: 3 of 1,604,482 alleles (0.00019%); highest among the groups gnomAD compares: Non-Finnish European, 0.00025%; no homozygotes.

Submission:

Labcorp Genetics (formerly Invitae), Labcorp
Classification: Uncertain significance. Last evaluated: 2023-10-28. Review status: criteria provided, single submitter. Criteria: Invitae Variant Classification Sherloc (09022015). Collection method: clinical testing. Allele origin: germline.
Comment: This sequence change affects the initiator methionine of the POLG2 mRNA. The next in-frame methionine is located at codon 268. This variant is not present in population databases (gnomAD no frequency). This variant has not been reported in the literature in individuals affected with POLG2-related conditions. Experimental studies and prediction algorithms are not available or were not evaluated, and the functional significance of this variant is currently unknown. In summary, the available evidence is currently insufficient to determine the role of this variant in disease. Therefore, it has been classified as a Variant of Uncertain Significance.

NM_007215.4(POLG2):c.2T>C (p.Met1Thr)

Genes: MILR1 (mast cell immunoglobulin like receptor 1; plus strand), POLG2 (DNA polymerase gamma 2, accessory subunit; minus strand). Cytogenetic location: 17q23.3.
Variant type: single nucleotide variant.
Coding change: c.2T>C on transcript NM_007215.4 (MANE Select); coding-DNA position 2, T replaced by C.
Protein change: p.Met1Thr; changes the start codon (methionine 1).
Molecular consequence: missense variant, initiator codon variant.
Genome position (GRCh38, 1-based): chr17:64,496,967, A>G on the plus strand (T>C on the coding strand, the complement: POLG2 is on the minus strand). VCF-style: chr17-64496967-A-G. GRCh37 (hg19) VCF-style: chr17-62493085-A-G.
Other names: short protein forms M1T.
Identifiers: ClinVar variation 2972883 (VCV002972883.3), dbSNP rs939575561, ClinGen allele CA293017376.